The following is an entry in ClinVar:

NM_017934.7(PHIP):c.2890G>C (p.Val964Leu)

Genes: IRAK1BP1 (interleukin 1 receptor associated kinase 1 binding protein 1; plus strand), PHIP (pleckstrin homology domain interacting protein; minus strand). Cytogenetic location: 6q14.1.
Variant type: single nucleotide variant.
Coding change: c.2890G>C on transcript NM_017934.7 (MANE Select); coding-DNA position 2890, G replaced by C.
Protein change: p.Val964Leu; replaces valine 964 with leucine.
Molecular consequence: missense variant.
Genome position (GRCh38, 1-based): chr6:78,970,888, C>G on the plus strand (G>C on the coding strand, the complement: PHIP is on the minus strand). VCF-style: chr6-78970888-C-G. GRCh37 (hg19) VCF-style: chr6-79680605-C-G.
Other names: short protein forms V964L.
Identifiers: ClinVar variation 3369779 (VCV003369779.1).

ClinVar aggregate classification (germline): Uncertain significance (1 of 4 stars; one submission).

Submission:

GeneDx
Classification: Uncertain significance. Last evaluated: 2024-03-04. Review status: criteria provided, single submitter. Criteria: GeneDx Variant Classification Process June 2021. Collection method: clinical testing. Allele origin: germline. Affected: yes.
Comment: Not observed at significant frequency in large population cohorts (gnomAD); In silico analysis supports that this variant has a deleterious effect on splicing; In silico analysis supports that this missense variant does not alter protein structure/function; Has not been previously published as pathogenic or benign to our knowledge